The following is an entry in ClinVar:

NM_000444.6(PHEX):c.488C>A (p.Ser163Ter)

Gene: PHEX (phosphate regulating endopeptidase X-linked; plus strand). Cytogenetic location: Xp22.11.
Variant type: single nucleotide variant.
Coding change: c.488C>A on transcript NM_000444.6 (MANE Select); coding-DNA position 488, C replaced by A.
Protein change: p.Ser163Ter; replaces serine 163 with a stop codon.
Molecular consequence: nonsense.
Genome position (GRCh38, 1-based): chrX:22,077,527, C>A. VCF-style: chrX-22077527-C-A. GRCh37 (hg19) VCF-style: chrX-22095645-C-A.
Other names: c.488C>A, p.Ser163Ter (NM_001282754.2); short protein forms S163*.
Identifiers: ClinVar variation 2030717 (VCV002030717.4), dbSNP rs2519754106, ClinGen allele CA412571333.

ClinVar aggregate classification (germline): Pathogenic (1 of 4 stars; one submission).

Submission:

Labcorp Genetics (formerly Invitae), Labcorp
Classification: Pathogenic. Last evaluated: 2022-09-15. Review status: criteria provided, single submitter. Criteria: Invitae Variant Classification Sherloc (09022015). Collection method: clinical testing. Allele origin: germline.
Comment: This sequence change creates a premature translational stop signal (p.Ser163*) in the PHEX gene. It is expected to result in an absent or disrupted protein product. Loss-of-function variants in PHEX are known to be pathogenic (PMID: 9097956, 9106524, 19219621). For these reasons, this variant has been classified as Pathogenic. This variant has not been reported in the literature in individuals affected with PHEX-related conditions. This variant is not present in population databases (gnomAD no frequency).

Literature cited by the submitters: PubMed 9097956; PubMed 9106524; PubMed 19219621.